The following is an entry in ClinVar:

ClinVar aggregate classification (germline): Uncertain significance (1 of 4 stars; one submission).

Submission:

Labcorp Genetics (formerly Invitae), Labcorp
Classification: Uncertain significance. Last evaluated: 2021-12-15. Review status: criteria provided, single submitter. Criteria: Invitae Variant Classification Sherloc (09022015). Collection method: clinical testing. Allele origin: germline.
Comment: This sequence change replaces tyrosine, which is neutral and polar, with histidine, which is basic and polar, at codon 4 of the VPS11 protein (p.Tyr4His). This variant is not present in population databases (gnomAD no frequency). This variant has not been reported in the literature in individuals affected with VPS11-related conditions. Experimental studies and prediction algorithms are not available or were not evaluated, and the functional significance of this variant is currently unknown. In summary, the available evidence is currently insufficient to determine the role of this variant in disease. Therefore, it has been classified as a Variant of Uncertain Significance.

NM_021729.6(VPS11):c.10T>C (p.Tyr4His)

Genes: VPS11 (VPS11 core subunit of CORVET and HOPS complexes; plus strand), LOC130006886 (ATAC-STARR-seq lymphoblastoid active region 5619; plus strand). Cytogenetic location: 11q23.3.
Variant type: single nucleotide variant.
Coding change: c.10T>C on transcript NM_021729.6 (MANE Select); coding-DNA position 10, T replaced by C.
Protein change: p.Tyr4His; replaces tyrosine 4 with histidine.
Molecular consequence: missense variant. On other transcripts: 5 prime UTR variant (1), non-coding transcript variant (8).
Genome position (GRCh38, 1-based): chr11:119,067,833, T>C. VCF-style: chr11-119067833-T-C. GRCh37 (hg19) VCF-style: chr11-118938544-T-C.
Other names: c.-236T>C (NM_001290185.2); c.10T>C, p.Tyr4His (NM_001378218.1, NM_001378219.1, NM_001378220.1); short protein forms Y4H.
Identifiers: ClinVar variation 2043378 (VCV002043378.4), dbSNP rs1480475783, ClinGen allele CA382958822.
Genomic context (GRCh38, chr11:119,067,833, plus strand): 5'-CTGGCTCAGCTCACGTGACAAAGCTCCCGGAGGTGGGAGCCCTGGGCCAAAATGGCGGCC[T>C]ACCTGCAGTGGCGGCGCTTCGTTTTCTTCGACAAGGAGCTGGTGAAGGAGCCGCTGAGCA-3'
Protein context (NP_068375.3, residues 1-14): MAA[Tyr4His]LQWRRFVFFD